The following is an entry in ClinVar:

ClinVar aggregate classification (germline): Uncertain significance (1 of 4 stars; one submission).

Conditions:
Hypertrophic cardiomyopathy. Also called: HYPERTROPHIC MYOCARDIOPATHY. Identifiers: Orphanet 217569, MedGen C0007194, MeSH D002312, MONDO:0005045, HP:0001639.

Allele frequency attached by ClinVar (database versions not stated): gnomAD exomes 0.00001 and 0.00005; gnomAD 0.00003 and 0.00004; TOPMed 0.00003; ExAC 0.00005; ESP Exome Variant Server 0.00008.
gnomAD v4.1: 19 of 1,613,906 alleles (0.0012%); highest among the groups gnomAD compares: East Asian, 0.036%; no homozygotes.

Submission:

Labcorp Genetics (formerly Invitae), Labcorp
Classification: Uncertain significance for Hypertrophic cardiomyopathy. Last evaluated: 2025-09-14. Review status: criteria provided, single submitter. Criteria: Invitae Variant Classification Sherloc (09022015). Collection method: clinical testing. Allele origin: germline.
Comment: This sequence change replaces glycine, which is neutral and non-polar, with arginine, which is basic and polar, at codon 175 of the MYOZ2 protein (p.Gly175Arg). This variant is present in population databases (rs147532351, gnomAD 0.07%), and has an allele count higher than expected for a pathogenic variant. This variant has not been reported in the literature in individuals affected with MYOZ2-related conditions. ClinVar contains an entry for this variant (Variation ID: 941790). Invitae Evidence Modeling of protein sequence and biophysical properties (such as structural, functional, and spatial information, amino acid conservation, physicochemical variation, residue mobility, and thermodynamic stability) indicates that this missense variant is not expected to disrupt MYOZ2 protein function with a negative predictive value of 80%. In summary, the available evidence is currently insufficient to determine the role of this variant in disease. Therefore, it has been classified as a Variant of Uncertain Significance.

NM_016599.5(MYOZ2):c.523G>A (p.Gly175Arg)

Gene: MYOZ2 (myozenin 2; plus strand). Cytogenetic location: 4q26.
Variant type: single nucleotide variant.
Coding change: c.523G>A on transcript NM_016599.5 (MANE Select); coding-DNA position 523, G replaced by A.
Protein change: p.Gly175Arg; replaces glycine 175 with arginine.
Molecular consequence: missense variant.
Genome position (GRCh38, 1-based): chr4:119,164,357, G>A. VCF-style: chr4-119164357-G-A. GRCh37 (hg19) VCF-style: chr4-120085512-G-A.
Other names: short protein forms G175R.
Identifiers: ClinVar variation 941790 (VCV000941790.6), dbSNP rs147532351, ClinGen allele CA3058657.